The following is an entry in ClinVar:

ClinVar aggregate classification (germline): Likely pathogenic (1 of 4 stars; one submission).

Submission:

Labcorp Genetics (formerly Invitae), Labcorp
Classification: Likely pathogenic. Last evaluated: 2024-10-15. Review status: criteria provided, single submitter. Criteria: Invitae Variant Classification Sherloc (09022015). Collection method: clinical testing. Allele origin: germline.
Comment: This sequence change affects an acceptor splice site in intron 1 of the PDHX gene. It is expected to disrupt RNA splicing. Variants that disrupt the donor or acceptor splice site typically lead to a loss of protein function (PMID: 16199547), and loss-of-function variants in PDHX are known to be pathogenic (PMID: 16904023, 21914562). This variant is not present in population databases (gnomAD no frequency). This variant has not been reported in the literature in individuals affected with PDHX-related conditions. ClinVar contains an entry for this variant (Variation ID: 2175248). Algorithms developed to predict the effect of sequence changes on RNA splicing suggest that this variant may disrupt the consensus splice site. In summary, the currently available evidence indicates that the variant is pathogenic, but additional data are needed to prove that conclusively. Therefore, this variant has been classified as Likely Pathogenic.

Literature cited by the submitters: PubMed 16199547; PubMed 16904023; PubMed 21914562.

NM_003477.3(PDHX):c.161-2A>G

Gene: PDHX (pyruvate dehydrogenase complex component X; plus strand). Cytogenetic location: 11p13.
Variant type: single nucleotide variant.
Coding change: c.161-2A>G on transcript NM_003477.3 (MANE Select); the canonical splice acceptor site of the intron before coding-DNA position 161, A replaced by G.
Molecular consequence: splice acceptor variant.
Genome position (GRCh38, 1-based): chr11:34,931,402, A>G. VCF-style: chr11-34931402-A-G. GRCh37 (hg19) VCF-style: chr11-34952949-A-G.
Other names: c.-20-2A>G (NM_001135024.2); c.161-2A>G (NM_001166158.2).
Identifiers: ClinVar variation 2175248 (VCV002175248.4), dbSNP rs1306223822, ClinGen allele CA380126029.